The following is an entry in ClinVar:

ClinVar aggregate classification (germline): Uncertain significance (1 of 4 stars; one submission).

gnomAD v4.1: 1 of 1,614,258 alleles (0.000062%); highest among the groups gnomAD compares: East Asian, 0.0022%; no homozygotes.

Submission:

Women's Health and Genetics/Laboratory Corporation of America, LabCorp
Classification: Uncertain significance. Last evaluated: 2024-03-14. Review status: criteria provided, single submitter. Criteria: LabCorp Variant Classification Summary - May 2015. Collection method: clinical testing. Allele origin: germline.
Comment: Variant summary: DHCR7 c.534C>G (p.Ile178Met) results in a conservative amino acid change in the encoded protein sequence. Three of five in-silico tools predict a damaging effect of the variant on protein function. The variant was absent in 250974 control chromosomes. The available data on variant occurrences in the general population are insufficient to allow any conclusion about variant significance. To our knowledge, no occurrence of c.534C>G in individuals affected with Smith-Lemli-Opitz Syndrome and no experimental evidence demonstrating its impact on protein function have been reported. No submitters have cited clinical-significance assessments for this variant to ClinVar. Based on the evidence outlined above, the variant was classified as uncertain significance.

NM_001360.3(DHCR7):c.534C>G (p.Ile178Met)

Gene: DHCR7 (7-dehydrocholesterol reductase; minus strand). Cytogenetic location: 11q13.4.
Variant type: single nucleotide variant.
Coding change: c.534C>G on transcript NM_001360.3 (MANE Select); coding-DNA position 534, C replaced by G.
Protein change: p.Ile178Met; replaces isoleucine 178 with methionine.
Molecular consequence: missense variant.
Genome position (GRCh38, 1-based): chr11:71,441,319, G>C on the plus strand (C>G on the coding strand, the complement: DHCR7 is on the minus strand). VCF-style: chr11-71441319-G-C. GRCh37 (hg19) VCF-style: chr11-71152365-G-C.
Other names: c.534C>G, p.Ile178Met (NM_001163817.2, NM_001425107.1, NM_001425109.1 and 7 more transcripts); c.570C>G, p.Ile190Met (NM_001425108.1); c.474C>G, p.Ile158Met (NM_001425113.1); c.438C>G, p.Ile146Met (NM_001425114.1, NM_001425116.1); c.360C>G, p.Ile120Met (NM_001425117.1); short protein forms I120M, I146M, I158M, I178M, I190M.
Identifiers: ClinVar variation 3233958 (VCV003233958.2), dbSNP rs1349721227, ClinGen allele CA381694477.